The following is an entry in ClinVar:

ClinVar aggregate classification (germline): Uncertain significance (1 of 4 stars; one submission).

Conditions:
Arrhythmogenic right ventricular dysplasia 8 (ARVD8). Also called: ARRHYTHMOGENIC RIGHT VENTRICULAR DYSPLASIA, FAMILIAL, 8; ARRHYTHMOGENIC RIGHT VENTRICULAR CARDIOMYOPATHY 8; Arrhythmogenic Right Ventricular Dysplasia/Cardiomyopathy 8. Identifiers: MedGen C1843896, MONDO:0011831, OMIM 607450.
Arrhythmogenic cardiomyopathy with wooly hair and keratoderma. Also called: Arrhythmogenic cardiomyopathy with woolly hair and keratoderma; Dilated cardiomyopathy with woolly hair and keratoderma; Carvajal syndrome; PALMOPLANTAR KERATODERMA WITH LEFT VENTRICULAR CARDIOMYOPATHY AND WOOLLY HAIR. Identifiers: Orphanet 65282, MedGen C1854063, MONDO:0011581, OMIM 605676.

Allele frequency attached by ClinVar (database versions not stated): TOPMed below 0.00001.
gnomAD v4.1: 1 of 1,613,826 alleles (0.000062%); highest among the groups gnomAD compares: African/African-American, 0.0013%; no homozygotes.

Submission:

Labcorp Genetics (formerly Invitae), Labcorp
Classification: Uncertain significance for Arrhythmogenic cardiomyopathy with wooly hair and keratoderma; Arrhythmogenic right ventricular dysplasia 8. Last evaluated: 2022-03-18. Review status: criteria provided, single submitter. Criteria: Invitae Variant Classification Sherloc (09022015). Collection method: clinical testing. Allele origin: germline.
Comment: This sequence change replaces glutamic acid, which is acidic and polar, with aspartic acid, which is acidic and polar, at codon 254 of the DSP protein (p.Glu254Asp). This variant is not present in population databases (gnomAD no frequency). This variant has not been reported in the literature in individuals affected with DSP-related conditions. ClinVar contains an entry for this variant (Variation ID: 1009900). Algorithms developed to predict the effect of missense changes on protein structure and function are either unavailable or do not agree on the potential impact of this missense change (SIFT: "Deleterious"; PolyPhen-2: "Probably Damaging"; Align-GVGD: "Class C0"). In summary, the available evidence is currently insufficient to determine the role of this variant in disease. Therefore, it has been classified as a Variant of Uncertain Significance.

NM_004415.4(DSP):c.762G>T (p.Glu254Asp)

Gene: DSP (desmoplakin; plus strand). Cytogenetic location: 6p24.3.
Variant type: single nucleotide variant.
Coding change: c.762G>T on transcript NM_004415.4 (MANE Select); coding-DNA position 762, G replaced by T.
Protein change: p.Glu254Asp; replaces glutamic acid 254 with aspartic acid.
Molecular consequence: missense variant.
Genome position (GRCh38, 1-based): chr6:7,563,771, G>T. VCF-style: chr6-7563771-G-T. GRCh37 (hg19) VCF-style: chr6-7564004-G-T.
Other names: c.762G>T, p.Glu254Asp (NM_001008844.3, NM_001319034.2); short protein forms E254D.
Identifiers: ClinVar variation 1009900 (VCV001009900.9), dbSNP rs1406835654, ClinGen allele CA362673731.